The following is an entry in ClinVar:

ClinVar aggregate classification (germline): Uncertain significance (1 of 4 stars; one submission).

Conditions:
DICER1-related tumor predisposition. Also called: DICER1 syndrome; DICER1-related pleuropulmonary blastoma cancer predisposition syndrome. Identifiers: Orphanet 284343, MedGen C3839822, MONDO:0100216.

Submission:

Labcorp Genetics (formerly Invitae), Labcorp
Classification: Uncertain significance for DICER1-related tumor predisposition. Last evaluated: 2020-03-23. Review status: criteria provided, single submitter. Criteria: Invitae Variant Classification Sherloc (09022015). Collection method: clinical testing. Allele origin: germline.
Comment: This variant has not been reported in the literature in individuals with DICER1-related conditions. Algorithms developed to predict the effect of missense changes on protein structure and function (SIFT, PolyPhen-2, Align-GVGD) all suggest that this variant is likely to be tolerated, but these predictions have not been confirmed by published functional studies and their clinical significance is uncertain. This sequence change replaces glutamic acid with glycine at codon 276 of the DICER1 protein (p.Glu276Gly). The glutamic acid residue is highly conserved and there is a moderate physicochemical difference between glutamic acid and glycine. This variant is not present in population databases (ExAC no frequency). In summary, the available evidence is currently insufficient to determine the role of this variant in disease. Therefore, it has been classified as a Variant of Uncertain Significance.

NM_177438.3(DICER1):c.827A>G (p.Glu276Gly)

Gene: DICER1 (dicer 1, ribonuclease III; minus strand). Cytogenetic location: 14q32.13.
Variant type: single nucleotide variant.
Coding change: c.827A>G on transcript NM_177438.3 (MANE Select); coding-DNA position 827, A replaced by G.
Protein change: p.Glu276Gly; replaces glutamic acid 276 with glycine.
Molecular consequence: missense variant.
Genome position (GRCh38, 1-based): chr14:95,126,656, T>C on the plus strand (A>G on the coding strand, the complement: DICER1 is on the minus strand). VCF-style: chr14-95126656-T-C. GRCh37 (hg19) VCF-style: chr14-95592993-T-C.
Other names: c.827A>G, p.Glu276Gly (NM_001195573.1, NM_001271282.3, NM_001291628.2 and 1 more transcripts); short protein forms E276G.
Identifiers: ClinVar variation 1000187 (VCV001000187.10), dbSNP rs1893486464, ClinGen allele CA390887604.
Genomic context (GRCh38, chr14:95,126,656, plus strand): 5'-GTAGAATCTCTTTCTTTTGAATGTACAGATATATTACAATCATTGATAAAATTAAGTGCT[T>C]CTTCTAATTCCATCAGCAGTCTTTCATAAAGCCCACTTCTGTCAGTAAATGGTCCACAAT-3'
Protein context (NP_803187.1, residues 266-286): LYERLLMELE[Glu276Gly]ALNFINDCNI